The following is an entry in ClinVar:

ClinVar aggregate classification (germline): Benign/Likely benign. Review status: criteria provided, multiple submitters, no conflicts (2 of 4 stars). 8 submissions from 7 submitters: Benign (5); Likely benign (3). Last evaluated 2026-02-01.

Conditions:
Connective tissue disorder. Also called: Connective tissue disease. Identifiers: MedGen C0009782, MONDO:0003900.
Lethal Kniest-like syndrome (DDSH). Also called: Dyssegmental Dysplasia. Identifiers: Orphanet 1865, MedGen C1857100, MONDO:0009140, OMIM 224410.
Schwartz-Jampel syndrome. Also called: Myotonic myopathy dwarfism chondrodystrophy and ocular and facial abnormalities. Identifiers: Orphanet 800, MedGen C0036391, MONDO:0009717.

Allele frequency attached by ClinVar (database versions not stated): gnomAD exomes 0.00344; ExAC 0.00415; gnomAD 0.01369 and 0.01460; TOPMed 0.01433; 1000 Genomes Project 0.01478; ESP Exome Variant Server 0.01492; 1000 Genomes Project 30x 0.01530.
gnomAD v4.1: 4,242 of 1,614,044 alleles (0.26%); highest among the groups gnomAD compares: African/African-American, 4.8%; 102 homozygotes.

Submissions (8):

Labcorp Genetics (formerly Invitae), Labcorp
Classification: Benign. Last evaluated: 2026-02-01. Review status: criteria provided, single submitter. Criteria: Invitae Variant Classification Sherloc (09022015). Collection method: clinical testing. Allele origin: germline.

ARUP Laboratories, Molecular Genetics and Genomics, ARUP Laboratories
Classification: Benign. Last evaluated: 2025-06-20. Review status: criteria provided, single submitter. Criteria: ARUP Molecular Germline Variant Investigation Process 2024. Collection method: clinical testing. Allele origin: germline.

Athena Diagnostics
Classification: Benign. Last evaluated: 2025-01-03. Review status: criteria provided, single submitter. Criteria: Athena Diagnostics Criteria. Collection method: clinical testing. Allele origin: unknown.
Comment: The frequency of this variant in the general population is higher than would generally be expected for pathogenic variants in this gene.

GeneDx
Classification: Likely benign. Last evaluated: 2021-01-17. Review status: criteria provided, single submitter. Criteria: GeneDx Variant Classification Process June 2021. Collection method: clinical testing. Allele origin: germline. Affected: yes.

Genome Diagnostics Laboratory, The Hospital for Sick Children
Classification: Likely benign for Connective tissue disorder. Last evaluated: 2018-07-01. Review status: criteria provided, single submitter. Criteria: ACMG Guidelines, 2015. Collection method: clinical testing. Allele origin: germline.

Illumina Laboratory Services, Illumina
Classification: Benign for Schwartz-Jampel syndrome type 1. Last evaluated: 2018-01-13. Review status: criteria provided, single submitter. Criteria: ICSL Variant Classification Criteria 13 December 2019. Collection method: clinical testing. Allele origin: germline.
Comment: This variant was observed in the ICSL laboratory as part of a predisposition screen in an ostensibly healthy population. It had not been previously curated by ICSL or reported in the Human Gene Mutation Database (HGMD: prior to June 1st, 2018), and was therefore a candidate for classification through an automated scoring system. Utilizing variant allele frequency, disease prevalence and penetrance estimates, and inheritance mode, an automated score was calculated to assess if this variant is too frequent to cause the disease. Based on the score and internal cut-off values, a variant classified as benign is not then subjected to further curation. The score for this variant resulted in a classification of benign for this disease.

Illumina Laboratory Services, Illumina
Classification: Benign for Lethal Kniest-like syndrome. Last evaluated: 2018-01-13. Review status: criteria provided, single submitter. Criteria: ICSL Variant Classification Criteria 13 December 2019. Collection method: clinical testing. Allele origin: germline.
Comment: the same text as in the submission from Illumina Laboratory Services, Illumina above.

Breakthrough Genomics
Classification: Likely benign. Review status: criteria provided, single submitter. Criteria: ACMG Guidelines, 2015. Collection method: not provided. Allele origin: germline. Inheritance: Autosomal recessive inheritance. Affected: yes.

Literature cited by the submitters: PubMed 24367280 (cited by Athena Diagnostics).

NM_005529.7(HSPG2):c.7035C>T (p.Ile2345=)

Gene: HSPG2 (heparan sulfate proteoglycan 2; minus strand). Cytogenetic location: 1p36.12.
Variant type: single nucleotide variant.
Coding change: c.7035C>T on transcript NM_005529.7 (MANE Select); coding-DNA position 7035, C replaced by T.
Protein change: p.Ile2345=; no amino-acid change (isoleucine 2345 retained).
Molecular consequence: synonymous variant.
Genome position (GRCh38, 1-based): chr1:21,851,669, G>A on the plus strand (C>T on the coding strand, the complement: HSPG2 is on the minus strand). VCF-style: chr1-21851669-G-A. GRCh37 (hg19) VCF-style: chr1-22178162-G-A.
Other names: c.7038C>T, p.Ile2346= (NM_001291860.2).
Identifiers: ClinVar variation 295801 (VCV000295801.33), dbSNP rs2229484, ClinGen allele CA671331.